The following is an entry in ClinVar:

NM_002691.4(POLD1):c.464-6C>G

Gene: POLD1 (DNA polymerase delta 1, catalytic subunit; plus strand). Cytogenetic location: 19q13.33.
Variant type: single nucleotide variant.
Coding change: c.464-6C>G on transcript NM_002691.4 (MANE Select); 6 bases into the intron before coding-DNA position 464, C replaced by G.
Molecular consequence: intron variant.
Genome position (GRCh38, 1-based): chr19:50,401,993, C>G. VCF-style: chr19-50401993-C-G. GRCh37 (hg19) VCF-style: chr19-50905250-C-G.
Other names: c.464-6C>G (NM_001256849.1, NM_001308632.1).
Identifiers: ClinVar variation 2150635 (VCV002150635.4), dbSNP rs1601199198, ClinGen allele CA2580097640.
Genomic context (GRCh38, chr19:50,401,993, plus strand): 5'-CCCCTACCCAGCCCCTCCCTGAGCCACTGGAGCCCCCTGCACCTCTGATCATCCCTCCCA[C>G]ACCAGGTTTCGGGCCCGAGCACATGGGTGACCTGCAACGGGAGCTGAACTTGGCCATCAG-3'

ClinVar aggregate classification (germline): Uncertain significance (1 of 4 stars; one submission).

Conditions:
POLD1-related polyposis and colorectal cancer syndrome (CRCS10). Also called: Colorectal cancer 10; COLORECTAL CANCER, SUSCEPTIBILITY TO, ON CHROMOSOME 19q; Colorectal cancer, susceptibility to, 10. Identifiers: Orphanet 220460, MedGen C2675481, MONDO:0012953, OMIM 612591.

Submission:

Labcorp Genetics (formerly Invitae), Labcorp
Classification: Uncertain significance for POLD1-related polyposis and colorectal cancer syndrome. Last evaluated: 2024-11-27. Review status: criteria provided, single submitter. Criteria: Invitae Variant Classification Sherloc (09022015). Collection method: clinical testing. Allele origin: germline.
Comment: This sequence change falls in intron 4 of the POLD1 gene. It does not directly change the encoded amino acid sequence of the POLD1 protein. This variant is not present in population databases (gnomAD no frequency). This variant has not been reported in the literature in individuals affected with POLD1-related conditions. ClinVar contains an entry for this variant (Variation ID: 2150635). Algorithms developed to predict the effect of sequence changes on RNA splicing suggest that this variant may disrupt the consensus splice site. In summary, the available evidence is currently insufficient to determine the role of this variant in disease. Therefore, it has been classified as a Variant of Uncertain Significance.